The following is an entry in ClinVar:

ClinVar aggregate classification (germline): Likely benign (1 of 4 stars; one submission).

Conditions:
ADGRV1-related disorder. Also called: ADGRV1-related condition; ADGRV1-related disorders.

gnomAD v4.1: 117 of 1,594,724 alleles (0.0073%); highest among the groups gnomAD compares: African/African-American, 0.021%; no homozygotes.

Submission:

PreventionGenetics, part of Exact Sciences
Classification: Likely benign for ADGRV1-related condition. Last evaluated: 2025-03-12. Review status: criteria provided, single submitter. Criteria: ACMG Guidelines, 2015. Collection method: clinical testing. Allele origin: germline.
Comment: This variant is classified as likely benign based on ACMG/AMP sequence variant interpretation guidelines (Richards et al. 2015 PMID: 25741868, with internal and published modifications).

NM_032119.4(ADGRV1):c.17454+25T>C

Gene: ADGRV1 (adhesion G protein-coupled receptor V1; plus strand). Cytogenetic location: 5q14.3.
Variant type: single nucleotide variant.
Coding change: c.17454+25T>C on transcript NM_032119.4 (MANE Select); 25 bases into the intron after coding-DNA position 17454, T replaced by C.
Molecular consequence: intron variant.
Genome position (GRCh38, 1-based): chr5:90,853,558, T>C. VCF-style: chr5-90853558-T-C. GRCh37 (hg19) VCF-style: chr5-90149375-T-C.
Identifiers: ClinVar variation 4978833 (VCV004978833.1).